The following is an entry in ClinVar:

NM_017849.4(TMEM127):c.534C>T (p.Tyr178=)

Gene: TMEM127 (transmembrane protein 127; minus strand). Cytogenetic location: 2q11.2.
Variant type: single nucleotide variant.
Coding change: c.534C>T on transcript NM_017849.4 (MANE Select); coding-DNA position 534, C replaced by T.
Protein change: p.Tyr178=; no amino-acid change (tyrosine 178 retained).
Molecular consequence: synonymous variant.
Genome position (GRCh38, 1-based): chr2:96,253,991, G>A on the plus strand (C>T on the coding strand, the complement: TMEM127 is on the minus strand). VCF-style: chr2-96253991-G-A. GRCh37 (hg19) VCF-style: chr2-96919729-G-A.
Other names: c.534C>T (NM_001193304.2); c.534C>T, p.Tyr178= (NM_001193304.3).
Identifiers: ClinVar variation 241225 (VCV000241225.22), dbSNP rs550833832, ClinGen allele CA1777287.

ClinVar aggregate classification (germline): Benign/Likely benign. Review status: criteria provided, multiple submitters, no conflicts (2 of 4 stars). 8 submissions from 8 submitters: Benign (3); Likely benign (4). 1 of the submissions does not count toward it. Last evaluated 2026-07-30.

Conditions:
TMEM127-related disorder. Also called: TMEM127-related condition.
Hereditary cancer-predisposing syndrome. Also called: Hereditary Cancer Syndrome; Tumor predisposition; Hereditary neoplastic syndrome; Neoplastic Syndromes, Hereditary. Identifiers: Orphanet 140162, MedGen C0027672, MeSH D009386, MONDO:0015356.
Hereditary pheochromocytoma and paraganglioma. Also called: Hereditary pheochromocytoma-paraganglioma; Hereditary Paraganglioma-Pheochromocytoma Syndromes; Hereditary paragangliomas and pheochromocytomas. Identifiers: Orphanet 29072, MedGen C4274332, MONDO:0017366.
Pheochromocytoma. Also called: MAX-Related Hereditary Paraganglioma-Pheochromocytoma Syndrome. Identifiers: Orphanet 29072, MedGen C0031511, MONDO:0008233, OMIM 171300, HP:0002666.

Allele frequency attached by ClinVar (database versions not stated): gnomAD 0.00001 and 0.00023; ExAC 0.00084; 1000 Genomes Project 30x 0.00156; TOPMed 0.00007; 1000 Genomes Project 0.00200; gnomAD exomes 0.00071.

Submissions (8):

Myriad Genetics, Inc.
Classification: Benign for Hereditary pheochromocytoma and paraganglioma. Last evaluated: 2026-07-30. Review status: criteria provided, single submitter. Criteria: Myriad Autosomal Dominant, Autosomal Recessive and X-Linked Classification Criteria (2023). Collection method: clinical testing. Allele origin: unknown.
Comment: This variant is considered benign. This variant is a silent/synonymous amino acid change and it is not expected to impact splicing.

Labcorp Genetics (formerly Invitae), Labcorp
Classification: Benign for Hereditary pheochromocytoma and paraganglioma. Last evaluated: 2026-02-03. Review status: criteria provided, single submitter. Criteria: Invitae Variant Classification Sherloc (09022015). Collection method: clinical testing. Allele origin: germline.

Department of Pathology and Laboratory Medicine, Sinai Health System
Classification: Likely benign for Pheochromocytoma. Last evaluated: 2024-12-12. Review status: criteria provided, single submitter. Criteria: ACMG Guidelines, 2015. Collection method: clinical testing. Allele origin: germline.

KCCC/NGS Laboratory, Kuwait Cancer Control Center
Classification: Benign for Pheochromocytoma. Last evaluated: 2023-07-07. Review status: criteria provided, single submitter. Criteria: ACMG Guidelines, 2015. Collection method: clinical testing. Allele origin: germline. Affected: yes.

Fulgent Genetics
Classification: Likely benign for Pheochromocytoma. Last evaluated: 2021-10-27. Review status: criteria provided, single submitter. Criteria: ACMG Guidelines, 2015. Collection method: clinical testing. Allele origin: unknown.

Ambry Genetics
Classification: Likely benign for Hereditary cancer-predisposing syndrome. Last evaluated: 2016-08-18. Review status: criteria provided, single submitter. Criteria: Ambry Variant Classification Scheme 2023. Collection method: clinical testing. Allele origin: germline.

Breakthrough Genomics
Classification: Likely benign. Review status: criteria provided, single submitter. Criteria: ACMG Guidelines, 2015. Collection method: not provided. Allele origin: germline. Inheritance: Autosomal dominant inheritance. Affected: yes.

PreventionGenetics, part of Exact Sciences
Classification: Benign for TMEM127-related condition. Last evaluated: 2019-05-10. Review status: no assertion criteria provided. Collection method: clinical testing. Allele origin: germline. Not counted in ClinVar's aggregate classification.
Comment: This variant is classified as benign based on ACMG/AMP sequence variant interpretation guidelines (Richards et al. 2015 PMID: 25741868, with internal and published modifications).